The following is an entry in ClinVar:

ClinVar aggregate classification (germline): Uncertain significance (1 of 4 stars; one submission).

Conditions:
3-methylcrotonyl-CoA carboxylase 2 deficiency. Also called: 3 alpha methylcrotonyl-CoA carboxylase 2 deficiency; 3 alpha methylcrotonylglycinuria 2; METHYLCROTONYLGLYCINURIA, TYPE II; MCC 2 deficiency; Methylcrotonylglycinuria type 2. Identifiers: Orphanet 6, MedGen C1859499, MONDO:0008862, OMIM 210210.

Submission:

Labcorp Genetics (formerly Invitae), Labcorp
Classification: Uncertain significance for 3-methylcrotonyl-CoA carboxylase 2 deficiency. Last evaluated: 2024-09-30. Review status: criteria provided, single submitter. Criteria: Invitae Variant Classification Sherloc (09022015). Collection method: clinical testing. Allele origin: germline.
Comment: This sequence change replaces glutamine, which is neutral and polar, with lysine, which is basic and polar, at codon 389 of the MCCC2 protein (p.Gln389Lys). This variant is not present in population databases (gnomAD no frequency). This missense change has been observed in individual(s) with clinical features of 3-methylcrotonyl-CoA carboxylase deficiency (internal data). In at least one individual the data is consistent with being in trans (on the opposite chromosome) from a pathogenic variant. Invitae Evidence Modeling of protein sequence and biophysical properties (such as structural, functional, and spatial information, amino acid conservation, physicochemical variation, residue mobility, and thermodynamic stability) indicates that this missense variant is not expected to disrupt MCCC2 protein function with a negative predictive value of 80%. In summary, the available evidence is currently insufficient to determine the role of this variant in disease. Therefore, it has been classified as a Variant of Uncertain Significance.

NM_022132.5(MCCC2):c.1165C>A (p.Gln389Lys)

Gene: MCCC2 (methylcrotonyl-CoA carboxylase subunit 2; plus strand). Cytogenetic location: 5q13.2.
Variant type: single nucleotide variant.
Coding change: c.1165C>A on transcript NM_022132.5 (MANE Select); coding-DNA position 1165, C replaced by A.
Protein change: p.Gln389Lys; replaces glutamine 389 with lysine.
Molecular consequence: missense variant.
Genome position (GRCh38, 1-based): chr5:71,646,226, C>A. VCF-style: chr5-71646226-C-A. GRCh37 (hg19) VCF-style: chr5-70942053-C-A.
Other names: c.1051C>A, p.Gln351Lys (NM_001363147.1); short protein forms Q351K, Q389K.
Identifiers: ClinVar variation 3678632 (VCV003678632.2).
Genomic context (GRCh38, chr5:71,646,226, plus strand): 5'-GAGTTAATTCCCTTTTAAAAAGATTTTTATGTTATTTGCTTATAGGGTACTCACTTTGTC[C>A]AGTTATGCTGCCAAAGAAATATTCCTCTGCTGTTCCTTCAAAACATTACTGGTAAGAAAA-3'
Protein context (NP_071415.1, residues 379-399): ESAKKGTHFV[Gln389Lys]LCCQRNIPLL